The following is an entry in ClinVar:

ClinVar aggregate classification (germline): Uncertain significance (1 of 4 stars; one submission).

Submission:

Labcorp Genetics (formerly Invitae), Labcorp
Classification: Uncertain significance. Last evaluated: 2021-03-28. Review status: criteria provided, single submitter. Criteria: Invitae Variant Classification Sherloc (09022015). Collection method: clinical testing. Allele origin: germline.
Comment: In summary, the available evidence is currently insufficient to determine the role of this variant in disease. Therefore, it has been classified as a Variant of Uncertain Significance. Algorithms developed to predict the effect of missense changes on protein structure and function are either unavailable or do not agree on the potential impact of this missense change (SIFT: "Deleterious"; PolyPhen-2: "Benign"; Align-GVGD: "Class C0"). This variant has not been reported in the literature in individuals with CDH2-related conditions. This variant is not present in population databases (ExAC no frequency). This sequence change replaces alanine with serine at codon 21 of the CDH2 protein (p.Ala21Ser). The alanine residue is moderately conserved and there is a moderate physicochemical difference between alanine and serine.

NM_001792.5(CDH2):c.61G>T (p.Ala21Ser)

Gene: CDH2 (cadherin 2; minus strand). Cytogenetic location: 18q12.1.
Variant type: single nucleotide variant.
Coding change: c.61G>T on transcript NM_001792.5 (MANE Select); coding-DNA position 61, G replaced by T.
Protein change: p.Ala21Ser; replaces alanine 21 with serine.
Molecular consequence: missense variant.
Genome position (GRCh38, 1-based): chr18:28,147,784, C>A on the plus strand (G>T on the coding strand, the complement: CDH2 is on the minus strand). VCF-style: chr18-28147784-C-A. GRCh37 (hg19) VCF-style: chr18-25727748-C-A.
Other names: short protein forms A21S.
Identifiers: ClinVar variation 1355164 (VCV001355164.8), dbSNP rs17495042, ClinGen allele CA402244776.